The following is an entry in ClinVar:

NM_144643.4(SCLT1):c.948A>G (p.Gln316=)

Gene: SCLT1 (sodium channel and clathrin linker 1; minus strand). Cytogenetic location: 4q28.2.
Variant type: single nucleotide variant.
Coding change: c.948A>G on transcript NM_144643.4 (MANE Select); coding-DNA position 948, A replaced by G.
Protein change: p.Gln316=; no amino-acid change (glutamine 316 retained).
Molecular consequence: synonymous variant.
Genome position (GRCh38, 1-based): chr4:128,959,699, T>C on the plus strand (A>G on the coding strand, the complement: SCLT1 is on the minus strand). VCF-style: chr4-128959699-T-C. GRCh37 (hg19) VCF-style: chr4-129880854-T-C.
Other names: c.948A>G, p.Gln316= (NM_001410807.1); c.948A>G (NM_144643.3).
Identifiers: ClinVar variation 2865977 (VCV002865977.4), dbSNP rs2530449702, ClinGen allele CA441228894.

ClinVar aggregate classification (germline): Likely benign. Review status: criteria provided, multiple submitters, no conflicts (2 of 4 stars). 2 submissions from 2 submitters: Likely benign (2). Last evaluated 2025-10-06.

Conditions:
SCLT1-related disorder. Also called: SCLT1-related condition.

Allele frequency attached by ClinVar (database versions not stated): gnomAD exomes below 0.00001.
gnomAD v4.1: 2 of 1,613,636 alleles (0.00012%); highest among the groups gnomAD compares: Non-Finnish European, 0.00017%; no homozygotes.

Submissions (2):

PreventionGenetics, part of Exact Sciences
Classification: Likely benign for SCLT1-related condition. Last evaluated: 2025-10-06. Review status: criteria provided, single submitter. Criteria: ACMG Guidelines, 2015. Collection method: clinical testing. Allele origin: germline.
Comment: This variant is classified as likely benign based on ACMG/AMP sequence variant interpretation guidelines (Richards et al. 2015 PMID: 25741868, with internal and published modifications).

Labcorp Genetics (formerly Invitae), Labcorp
Classification: Likely benign. Last evaluated: 2023-05-19. Review status: criteria provided, single submitter. Criteria: Invitae Variant Classification Sherloc (09022015). Collection method: clinical testing. Allele origin: germline.